The following is an entry in ClinVar:

ClinVar aggregate classification (germline): Conflicting classifications of pathogenicity. Review status: criteria provided, conflicting classifications (1 of 4 stars). 2 submissions from 2 submitters: Uncertain significance (1); Likely benign (1). Last evaluated 2023-11-01.

Conditions:
Hereditary cancer-predisposing syndrome. Also called: Tumor predisposition; Hereditary neoplastic syndrome; Hereditary Cancer Syndrome; Neoplastic Syndromes, Hereditary. Identifiers: Orphanet 140162, MedGen C0027672, MeSH D009386, MONDO:0015356.
Familial cancer of breast. Also called: BREAST CANCER, FAMILIAL; Hereditary breast cancer; hereditary breast carcinoma. Identifiers: Orphanet 227535, MedGen C0346153, MONDO:0016419, OMIM 114480. Disease mechanism: loss of function.
Fanconi anemia complementation group J. Also called: BRIP1-Related Fanconi Anemia. Identifiers: Orphanet 84, MedGen C1836860, MONDO:0012187, OMIM 609054.

Submissions (2):

Ambry Genetics
Classification: Likely benign for Hereditary cancer-predisposing syndrome. Last evaluated: 2023-11-01. Review status: criteria provided, single submitter. Criteria: Ambry Variant Classification Scheme 2023. Collection method: clinical testing. Allele origin: germline.

Labcorp Genetics (formerly Invitae), Labcorp
Classification: Uncertain significance for Familial cancer of breast; Fanconi anemia complementation group J. Last evaluated: 2021-12-04. Review status: criteria provided, single submitter. Criteria: Invitae Variant Classification Sherloc (09022015). Collection method: clinical testing. Allele origin: germline.
Comment: This sequence change replaces isoleucine, which is neutral and non-polar, with threonine, which is neutral and polar, at codon 562 of the BRIP1 protein (p.Ile562Thr). This variant is not present in population databases (gnomAD no frequency). This variant has not been reported in the literature in individuals affected with BRIP1-related conditions. Algorithms developed to predict the effect of missense changes on protein structure and function output the following: SIFT: "Tolerated"; PolyPhen-2: "Benign"; Align-GVGD: "Class C0". The threonine amino acid residue is found in multiple mammalian species, which suggests that this missense change does not adversely affect protein function. In summary, the available evidence is currently insufficient to determine the role of this variant in disease. Therefore, it has been classified as a Variant of Uncertain Significance.

NM_032043.3(BRIP1):c.1685T>C (p.Ile562Thr)

Gene: BRIP1 (BRCA1 interacting DNA helicase 1; minus strand). Cytogenetic location: 17q23.2.
Variant type: single nucleotide variant.
Coding change: c.1685T>C on transcript NM_032043.3 (MANE Select); coding-DNA position 1685, T replaced by C.
Protein change: p.Ile562Thr; replaces isoleucine 562 with threonine.
Molecular consequence: missense variant.
Genome position (GRCh38, 1-based): chr17:61,780,949, A>G on the plus strand (T>C on the coding strand, the complement: BRIP1 is on the minus strand). VCF-style: chr17-61780949-A-G. GRCh37 (hg19) VCF-style: chr17-59858310-A-G.
Other names: c.1685T>C (NM_032043.2); short protein forms I562T.
Identifiers: ClinVar variation 1443131 (VCV001443131.8), dbSNP rs2077610488, ClinGen allele CA400480468.
Genomic context (GRCh38, chr17:61,780,949, plus strand): 5'-TGTCGTGAACGTTTCTTATTTTTTGGTAGAACCAACAACCCATTTTTGTCTGAAATATCA[A>G]TCTGATTTGTCCAGGAGTAAGTCTGTTGAATCGCAATTTTATAATCATCTGCAAATCTAG-3'
Protein context (NP_114432.2, residues 552-572): IQQTYSWTNQ[Ile562Thr]DISDKNGLLV